The following is an entry in ClinVar:

ClinVar aggregate classification (germline): Pathogenic (1 of 4 stars; one submission).

Conditions:
Hyperinsulinemic hypoglycemia, familial, 1 (HHF1). Also called: HYPERINSULINISM, FAMILIAL, WITH PANCREATIC NESIDIOBLASTOSIS; HYPOGLYCEMIA, HYPERINSULINEMIC, OF INFANCY; NESIDIOBLASTOSIS OF PANCREAS; Persistent Hyperinsulinemia Hypoglycemia of Infancy; Persistent hyperinsulinemic hypoglycemia of infancy. Identifiers: Orphanet 276575, Orphanet 276598, MedGen C2931832, MONDO:0009734, OMIM 256450.

Submission:

Myriad Genetics, Inc.
Classification: Pathogenic for Hyperinsulinemic hypoglycemia, familial, 1. Last evaluated: 2025-12-19. Review status: criteria provided, single submitter. Criteria: Myriad Autosomal Dominant, Autosomal Recessive and X-Linked Classification Criteria (2023). Collection method: clinical testing. Allele origin: unknown.
Comment: NM_000352.3(ABCC8):c.1883delA(E628Gfs*19) is expected to be pathogenic in the context of familial hyperinsulinism, ABCC8-related. This variant is predicted to lead to an abnormal or absent protein product due to the creation of a premature termination codon in ABCC8, a gene where loss-of-function variants are known to be pathogenic. Please note: this variant was assessed in the context of healthy population screening.

NM_000352.6(ABCC8):c.1883del (p.Glu628fs)

Gene: ABCC8 (ATP binding cassette subfamily C member 8; minus strand). Cytogenetic location: 11p15.1.
Variant type: Deletion.
Coding change: c.1883del on transcript NM_000352.6 (MANE Select); coding-DNA position 1883, one base deleted (A; older notation c.1883delA).
Protein change: p.Glu628fs; shifts the reading frame from glutamic acid 628.
Molecular consequence: frameshift variant. On other transcripts: non-coding transcript variant (1).
Genome position (GRCh38, 1-based): chr11:17,428,605, T deleted on the plus strand (A on the coding strand, the reverse complement: ABCC8 is on the minus strand). VCF-style (leftmost placement, unchanged base first): chr11-17428604-CT-C. GRCh37 (hg19) VCF-style: chr11-17450151-CT-C.
Other names: c.1883del, p.Glu628fs (NM_001287174.3, NM_001351295.2); c.1880del, p.Glu627fs (NM_001351296.2, NM_001351297.2); short protein forms E627fs, E628fs.
Identifiers: ClinVar variation 5012980 (VCV005012980.1).